The following is an entry in ClinVar:

NM_203288.2(RP9):c.27C>A (p.Asp9Glu)

Genes: RP9 (RP9 pre-mRNA splicing factor; minus strand), LOC129998225 (ATAC-STARR-seq lymphoblastoid silent region 18090; plus strand). Cytogenetic location: 7p14.3.
Variant type: single nucleotide variant.
Coding change: c.27C>A on transcript NM_203288.2 (MANE Select); coding-DNA position 27, C replaced by A.
Protein change: p.Asp9Glu; replaces aspartic acid 9 with glutamic acid.
Molecular consequence: missense variant.
Genome position (GRCh38, 1-based): chr7:33,109,346, G>T on the plus strand (C>A on the coding strand, the complement: RP9 is on the minus strand). VCF-style: chr7-33109346-G-T. GRCh37 (hg19) VCF-style: chr7-33148958-G-T.
Other names: short protein forms D9E.
Identifiers: ClinVar variation 4749762 (VCV004749762.1).
Genomic context (GRCh38, chr7:33,109,346, plus strand): 5'-ACGTCGCTGCAGCTCCTGCTCCGGCGGCTCACGCGGCCGCCGCGCGCCCGCAGCCCCCAC[G>T]TCCTCGCGCCCAGGCCGGGACGACATGTCAGCCCCCGCAGCGCCGCTCGGGCAACCCCCG-3'
Protein context (NP_976033.1, residues 1-19): MSSRPGRE[Asp9Glu]VGAAGARRPR

ClinVar aggregate classification (germline): Uncertain significance (1 of 4 stars; one submission).

gnomAD v4.1: 8 of 1,443,466 alleles (0.00055%); highest among the groups gnomAD compares: South Asian, 0.011%; no homozygotes.

Submission:

Labcorp Genetics (formerly Invitae), Labcorp
Classification: Uncertain significance. Last evaluated: 2025-10-27. Review status: criteria provided, single submitter. Criteria: Invitae Variant Classification Sherloc (09022015). Collection method: clinical testing. Allele origin: germline.
Comment: This sequence change replaces aspartic acid, which is acidic and polar, with glutamic acid, which is acidic and polar, at codon 9 of the RP9 protein (p.Asp9Glu). This variant is not present in population databases (gnomAD no frequency). This variant has not been reported in the literature in individuals affected with RP9-related conditions. An algorithm developed to predict the effect of missense changes on protein structure and function (PolyPhen-2) suggests that this variant is likely to be tolerated. In summary, the available evidence is currently insufficient to determine the role of this variant in disease. Therefore, it has been classified as a Variant of Uncertain Significance.